The following is an entry in ClinVar:

NM_005732.4(RAD50):c.841C>A (p.Gln281Lys)

Gene: RAD50 (RAD50 double strand break repair protein; plus strand). Cytogenetic location: 5q31.1.
Variant type: single nucleotide variant.
Coding change: c.841C>A on transcript NM_005732.4 (MANE Select); coding-DNA position 841, C replaced by A.
Protein change: p.Gln281Lys; replaces glutamine 281 with lysine.
Molecular consequence: missense variant.
Genome position (GRCh38, 1-based): chr5:132,587,646, C>A. VCF-style: chr5-132587646-C-A. GRCh37 (hg19) VCF-style: chr5-131923338-C-A.
Other names: short protein forms Q281K.
Identifiers: ClinVar variation 480428 (VCV000480428.6), dbSNP rs1554098167, ClinGen allele CA360940365.
Genomic context (GRCh38, chr5:132,587,646, plus strand): 5'-AATCTCTCTAAAATAATGAAACTTGACAATGAAATTAAAGCCTTGGATAGCCGAAAGAAG[C>A]AAATGGAGAAAGATAATAGTGAACTGGAAGAGAAAATGGAAAAGGTTTGTGGTGGTAGAA-3'
Protein context (NP_005723.2, residues 271-291): EIKALDSRKK[Gln281Lys]MEKDNSELEE

ClinVar aggregate classification (germline): Uncertain significance (1 of 4 stars; one submission).

Conditions:
Hereditary cancer-predisposing syndrome. Also called: Hereditary Cancer Syndrome; Neoplastic Syndromes, Hereditary; Tumor predisposition; Hereditary neoplastic syndrome. Identifiers: Orphanet 140162, MedGen C0027672, MeSH D009386, MONDO:0015356.

Submission:

Ambry Genetics
Classification: Uncertain significance for Hereditary cancer-predisposing syndrome. Last evaluated: 2023-05-08. Review status: criteria provided, single submitter. Criteria: Ambry Variant Classification Scheme 2023. Collection method: clinical testing. Allele origin: germline.
Comment: The p.Q281K variant (also known as c.841C>A), located in coding exon 6 of the RAD50 gene, results from a C to A substitution at nucleotide position 841. The glutamine at codon 281 is replaced by lysine, an amino acid with similar properties. This variant was not reported in population based cohorts in the following databases: Database of Single Nucleotide Polymorphisms (dbSNP), NHLBI Exome Sequencing Project (ESP), and 1000 Genomes Project. In the ESP, this variant was not observed in 6502 samples (13004 alleles) with coverage at this position. To date, this alteration has been detected with an allele frequency of approximately 0.001% (greater than 120000 alleles tested) in our clinical cohort. This amino acid position is highly conserved in available vertebrate species. In addition, this alteration is predicted to be tolerated by in silico analysis. Since supporting evidence is limited at this time, the clinical significance of this alteration remains unclear.